The following is an entry in ClinVar:

NM_000179.3(MSH6):c.571C>T (p.Leu191Phe)

Gene: MSH6 (mutS homolog 6; plus strand). Cytogenetic location: 2p16.3.
Variant type: single nucleotide variant.
Coding change: c.571C>T on transcript NM_000179.3 (MANE Select); coding-DNA position 571, C replaced by T.
Protein change: p.Leu191Phe; replaces leucine 191 with phenylalanine.
Molecular consequence: missense variant. On other transcripts: 5 prime UTR variant (1), intron variant (2).
Genome position (GRCh38, 1-based): chr2:47,796,007, C>T. VCF-style: chr2-47796007-C-T. GRCh37 (hg19) VCF-style: chr2-48023146-C-T.
Other names: c.-332C>T (NM_001281494.2); c.-279-2604C>T (NM_001281493.2); c.238-2604C>T (NM_001281492.2); short protein forms L191F.
Identifiers: ClinVar variation 945049 (VCV000945049.10), dbSNP rs1669064280, ClinGen allele CA346738795.

ClinVar aggregate classification (germline): Uncertain significance (1 of 4 stars; one submission).

Conditions:
Hereditary nonpolyposis colorectal neoplasms. Identifiers: MedGen C0009405, MeSH D003123.

Submission:

Labcorp Genetics (formerly Invitae), Labcorp
Classification: Uncertain significance for Hereditary nonpolyposis colorectal neoplasms. Last evaluated: 2024-04-23. Review status: criteria provided, single submitter. Criteria: Invitae Variant Classification Sherloc (09022015). Collection method: clinical testing. Allele origin: germline.
Comment: This sequence change replaces leucine, which is neutral and non-polar, with phenylalanine, which is neutral and non-polar, at codon 191 of the MSH6 protein (p.Leu191Phe). This variant is not present in population databases (gnomAD no frequency). This variant has not been reported in the literature in individuals affected with MSH6-related conditions. ClinVar contains an entry for this variant (Variation ID: 945049). Advanced modeling of protein sequence and biophysical properties (such as structural, functional, and spatial information, amino acid conservation, physicochemical variation, residue mobility, and thermodynamic stability) performed at Invitae indicates that this missense variant is not expected to disrupt MSH6 protein function with a negative predictive value of 95%. In summary, the available evidence is currently insufficient to determine the role of this variant in disease. Therefore, it has been classified as a Variant of Uncertain Significance.